The following is an entry in ClinVar:

NM_003072.5(SMARCA4):c.2768C>T (p.Ala923Val)

Gene: SMARCA4 (SWI/SNF related BAF chromatin remodeling complex subunit ATPase 4; plus strand). Cytogenetic location: 19p13.2.
Variant type: single nucleotide variant.
Coding change: c.2768C>T on transcript NM_003072.5 (MANE Select); coding-DNA position 2768, C replaced by T.
Protein change: p.Ala923Val; replaces alanine 923 with valine.
Molecular consequence: missense variant. On other transcripts: non-coding transcript variant (1).
Genome position (GRCh38, 1-based): chr19:11,021,876, C>T. VCF-style: chr19-11021876-C-T. GRCh37 (hg19) VCF-style: chr19-11132552-C-T.
Other names: c.2768C>T, p.Ala923Val (NM_001128844.3, NM_001128845.2, NM_001128846.2 and 6 more transcripts); short protein forms A923V.
Identifiers: ClinVar variation 1795762 (VCV001795762.4), dbSNP rs2089899547, ClinGen allele CA404056443.
Genomic context (GRCh38, chr19:11,021,876, plus strand): 5'-CACCCCGCCGCCTGCTGCTGACGGGCACACCGCTGCAGAACAAGCTTCCCGAGCTCTGGG[C>T]GCTGCTCAACTTCCTGCTGCCCACCATCTTCAAGAGCTGCAGCACCTTCGAGCAGTGGTT-3'
Protein context (NP_003063.2, residues 913-933): PLQNKLPELW[Ala923Val]LLNFLLPTIF

ClinVar aggregate classification (germline): Uncertain significance. Review status: criteria provided, multiple submitters, no conflicts (2 of 4 stars). 2 submissions from 2 submitters: Uncertain significance (2). Last evaluated 2024-06-10.

Conditions:
Hereditary cancer-predisposing syndrome. Also called: Tumor predisposition; Hereditary Cancer Syndrome; Neoplastic Syndromes, Hereditary; Hereditary neoplastic syndrome. Identifiers: Orphanet 140162, MedGen C0027672, MeSH D009386, MONDO:0015356.

Allele frequency attached by ClinVar (database versions not stated): TOPMed below 0.00001.

Submissions (2):

GeneDx
Classification: Uncertain significance. Last evaluated: 2024-06-10. Review status: criteria provided, single submitter. Criteria: GeneDx Variant Classification Process June 2021. Collection method: clinical testing. Allele origin: germline. Affected: yes.
Comment: Not observed at significant frequency in large population cohorts (gnomAD); In silico analysis supports that this missense variant has a deleterious effect on protein structure/function; Has not been previously published as pathogenic or benign to our knowledge; This variant is associated with the following publications: (PMID: 24658002)

Ambry Genetics
Classification: Uncertain significance for Hereditary cancer-predisposing syndrome. Last evaluated: 2024-03-29. Review status: criteria provided, single submitter. Criteria: Ambry Variant Classification Scheme 2023. Collection method: clinical testing. Allele origin: germline.
Comment: The p.A923V variant (also known as c.2768C>T), located in coding exon 18 of the SMARCA4 gene, results from a C to T substitution at nucleotide position 2768. The alanine at codon 923 is replaced by valine, an amino acid with similar properties. This amino acid position is highly conserved in available vertebrate species. In addition, this alteration is predicted to be deleterious by in silico analysis. Based on the available evidence, the clinical significance of this alteration remains unclear.